The following is an entry in ClinVar:

NM_001267550.2(TTN):c.1381C>T (p.Gln461Ter)

Gene: TTN (titin; minus strand). Cytogenetic location: 2q31.2.
Variant type: single nucleotide variant.
Coding change: c.1381C>T on transcript NM_001267550.2 (MANE Select); coding-DNA position 1381, C replaced by T.
Protein change: p.Gln461Ter; replaces glutamine 461 with a stop codon.
Molecular consequence: nonsense.
Genome position (GRCh38, 1-based): chr2:178,794,416, G>A on the plus strand (C>T on the coding strand, the complement: TTN is on the minus strand). VCF-style: chr2-178794416-G-A. GRCh37 (hg19) VCF-style: chr2-179659143-G-A.
Other names: c.1381C>T, p.Gln461Ter (NM_001256850.1, NM_003319.4, NM_133378.4 and 3 more transcripts); short protein forms Q461*.
Identifiers: ClinVar variation 2942068 (VCV002942068.3), dbSNP rs2534048550, ClinGen allele CA349515370.
Genomic context (GRCh38, chr2:178,794,416, plus strand): 5'-AGGACGTGGCTCTGCGGGTGCCCCATGGCAGCCTCGCACGTACCTGTTCTTGAGCAGGTT[G>A]GATGTGCACAGCAGTCGTGGTTGTCCTCTGAGCAGTCTGCTCTACAGCGCTGATCACTGG-3'

ClinVar aggregate classification (germline): Likely pathogenic (1 of 4 stars; one submission).

Conditions:
Dilated cardiomyopathy 1G (CMD1G). Identifiers: Orphanet 154, MedGen C1858763, MONDO:0011400, OMIM 604145.
Autosomal recessive limb-girdle muscular dystrophy type 2J (LGMDR10). Also called: MUSCULAR DYSTROPHY, LIMB-GIRDLE, AUTOSOMAL RECESSIVE 10; Limb-girdle muscular dystrophy, type 2J. Identifiers: Orphanet 140922, MedGen C1837342, MONDO:0012127, OMIM 608807.

Submission:

Labcorp Genetics (formerly Invitae), Labcorp
Classification: Likely pathogenic for Dilated cardiomyopathy 1G; Autosomal recessive limb-girdle muscular dystrophy type 2J. Last evaluated: 2024-11-04. Review status: criteria provided, single submitter. Criteria: Invitae Variant Classification Sherloc (09022015). Collection method: clinical testing. Allele origin: germline.
Comment: This sequence change creates a premature translational stop signal (p.Gln461*) in the TTN gene. While this is not anticipated to result in nonsense mediated decay, it is expected to create a truncated TTN protein. This variant is not present in population databases (gnomAD no frequency). This variant has not been observed in the literature in individuals with autosomal recessive TTN-related conditions. This variant has been reported in individual(s) with dilated cardiomyopathy (internal data); however, the role of the variant in this condition is currently unclear. ClinVar contains an entry for this variant (Variation ID: 2942068). This variant is located in the Z band of TTN (PMID: 25589632). Truncating variants in this region have been reported in individuals affected with autosomal recessive centronuclear myopathy (PMID: 33449170, internal data). Truncating variants in this region have also been identified in individuals affected with autosomal dominant dilated cardiomyopathy and/or cardio-related conditions (PMID: 27869827, 32964742, internal data). This variant is located in the Z band of TTN (PMID: 25589632). Non-truncating variants in this region may be clinically relevant, but have not been definitively shown to cause cardiomyopathy or neuromuscular disease (PMID: 27493940, 32778822). In summary, the currently available evidence indicates that the variant is pathogenic, but additional data are needed to prove that conclusively. Therefore, this variant has been classified as Likely Pathogenic.

Literature cited by the submitters: PubMed 25589632; PubMed 33449170; PubMed 27869827; PubMed 32964742; PubMed 27493940; PubMed 32778822.